The following is an entry in ClinVar:

NM_001349884.2(DRAM2):c.322A>G (p.Ile108Val)

Gene: DRAM2 (DNA damage regulated autophagy modulator 2; minus strand). Cytogenetic location: 1p13.3.
Variant type: single nucleotide variant.
Coding change: c.322A>G on transcript NM_001349884.2 (MANE Select); coding-DNA position 322, A replaced by G.
Protein change: p.Ile108Val; replaces isoleucine 108 with valine.
Molecular consequence: missense variant. On other transcripts: 5 prime UTR variant (1), non-coding transcript variant (3), intron variant (7).
Genome position (GRCh38, 1-based): chr1:111,124,759, T>C on the plus strand (A>G on the coding strand, the complement: DRAM2 is on the minus strand). VCF-style: chr1-111124759-T-C. GRCh37 (hg19) VCF-style: chr1-111667381-T-C.
Other names: c.322A>G, p.Ile108Val (NM_001349881.2, NM_001349882.2, NM_001349885.2 and 1 more transcripts); c.-97A>G (NM_001349891.2); c.-52+1468A>G (NM_001349889.2, NM_001349890.2, NM_001349892.2 and 1 more transcripts); c.41+1468A>G (NM_001349887.2, NM_001349886.2, NM_001349888.2); short protein forms I108V.
Identifiers: ClinVar variation 844055 (VCV000844055.10), dbSNP rs74827377, ClinGen allele CA1001871.

ClinVar aggregate classification (germline): Conflicting classifications of pathogenicity. Review status: criteria provided, conflicting classifications (1 of 4 stars). 3 submissions from 3 submitters: Uncertain significance (1); Likely benign (2). Last evaluated 2024-01-04.

Conditions:
Inborn genetic diseases. Identifiers: MedGen C0950123, MeSH D030342.

Allele frequency attached by ClinVar (database versions not stated): gnomAD exomes 0.00006 and 0.00004; ExAC 0.00007; ESP Exome Variant Server 0.00008; TOPMed 0.00009; gnomAD 0.00011; 1000 Genomes Project 0.00040; 1000 Genomes Project 30x 0.00047.
gnomAD v4.1: 69 of 1,613,332 alleles (0.0043%); highest among the groups gnomAD compares: African/African-American, 0.057%; no homozygotes.

Submissions (3):

Ambry Genetics
Classification: Likely benign for Inborn genetic diseases. Last evaluated: 2024-01-04. Review status: criteria provided, single submitter. Criteria: Ambry Variant Classification Scheme 2023. Collection method: clinical testing. Allele origin: germline.

Blueprint Genetics
Classification: Likely benign. Last evaluated: 2022-11-30. Review status: criteria provided, single submitter. Criteria: ACMG Guidelines, 2015. Collection method: clinical testing. Allele origin: germline.

Labcorp Genetics (formerly Invitae), Labcorp
Classification: Uncertain significance. Last evaluated: 2022-08-23. Review status: criteria provided, single submitter. Criteria: Invitae Variant Classification Sherloc (09022015). Collection method: clinical testing. Allele origin: germline.
Comment: This sequence change replaces isoleucine, which is neutral and non-polar, with valine, which is neutral and non-polar, at codon 108 of the DRAM2 protein (p.Ile108Val). This variant is present in population databases (rs74827377, gnomAD 0.04%). This variant has not been reported in the literature in individuals affected with DRAM2-related conditions. ClinVar contains an entry for this variant (Variation ID: 844055). Algorithms developed to predict the effect of missense changes on protein structure and function output the following: SIFT: "Tolerated"; PolyPhen-2: "Benign"; Align-GVGD: "Class C0". The valine amino acid residue is found in multiple mammalian species, which suggests that this missense change does not adversely affect protein function. In summary, the available evidence is currently insufficient to determine the role of this variant in disease. Therefore, it has been classified as a Variant of Uncertain Significance.